The following is an entry in ClinVar:

NM_001378454.1(ALMS1):c.9996_9997del (p.His3332fs)

Gene: ALMS1 (ALMS1 centrosome and basal body associated protein; plus strand). Cytogenetic location: 2p13.1.
Variant type: Deletion.
Coding change: c.9996_9997del on transcript NM_001378454.1 (MANE Select); coding-DNA positions 9996 to 9997, 2 bases deleted (TA; older notation c.9996_9997delTA).
Protein change: p.His3332fs; shifts the reading frame from histidine 3332.
Molecular consequence: frameshift variant.
Genome position (GRCh38, 1-based): chr2:73,550,355-73,550,356, TA deleted; deleting any 2 consecutive bases within chr2:73,550,354-73,550,356 gives the same sequence; the c. name uses the placement nearest the transcript's 3' end. VCF-style (leftmost placement, unchanged base first): chr2-73550353-CAT-C. GRCh37 (hg19) VCF-style: chr2-73777480-CAT-C.
Other names: c.9999_10000del, p.His3333fs (NM_015120.4); short protein forms H3332fs, H3333fs.
Identifiers: ClinVar variation 2758566 (VCV002758566.3), dbSNP rs2466385686, ClinGen allele CA2697548287.
Genomic context (GRCh38, chr2:73,550,353, plus strand): 5'-TTCCCAGCTCAGGTGCTAGGCACAAGAGATGATGACCTCTCAGCCACTGTTAACATTAAA[CAT>C]AAAGAAGGAATCTACAGTAAGAGGGTAGTGACTAAGGCATCCTTGCCAGTGGGAGAAAAA-3'

ClinVar aggregate classification (germline): Pathogenic (1 of 4 stars; one submission).

Conditions:
Alstrom syndrome (ALMS). Identifiers: Orphanet 64, MedGen C0268425, MONDO:0008763, OMIM 203800.

Submission:

Labcorp Genetics (formerly Invitae), Labcorp
Classification: Pathogenic for Alstrom syndrome. Last evaluated: 2023-06-02. Review status: criteria provided, single submitter. Criteria: Invitae Variant Classification Sherloc (09022015). Collection method: clinical testing. Allele origin: germline.
Comment: This sequence change creates a premature translational stop signal (p.His3333Glnfs*7) in the ALMS1 gene. It is expected to result in an absent or disrupted protein product. Loss-of-function variants in ALMS1 are known to be pathogenic (PMID: 17594715). This variant is not present in population databases (gnomAD no frequency). This variant has not been reported in the literature in individuals affected with ALMS1-related conditions. For these reasons, this variant has been classified as Pathogenic.

Literature cited by the submitters: PubMed 17594715.